The following is an entry in ClinVar:

ClinVar aggregate classification (germline): Pathogenic. Review status: criteria provided, multiple submitters, no conflicts (2 of 4 stars). 19 submissions from 19 submitters: Pathogenic (17). 2 of the submissions do not count toward it. Last evaluated 2026-05-01.

Conditions:
Rare genetic deafness. Identifiers: Orphanet 96210, MedGen C5680250.
GJB2-related disorder. Also called: GJB2-related condition; GJB2-related disorders. Identifiers: MedGen CN382183, MONDO:1060236.
Autosomal dominant keratitis-ichthyosis-hearing loss syndrome. Also called: Senter syndrome; KID SYNDROME, AUTOSOMAL DOMINANT; HID SYNDROME. Identifiers: Orphanet 477, MedGen C0265336, MONDO:0007850, OMIM 148210.
Autosomal recessive nonsyndromic hearing loss 1A (DFNB1A). Also called: GJB2-Related Autosomal Recessive Nonsyndromic Hearing Loss; GJB6-Related DFNB 1 Nonsyndromic Hearing Loss and Deafness; Connexin 26 deafness; Deafness nonsyndromic, Connexin 26 linked; Nonsyndromic Hearing Loss and Deafness, DFNB1; Deafness, autosomal recessive 1A. Identifiers: Orphanet 90636, MedGen C2673759, MONDO:0009076, OMIM 220290.
Palmoplantar keratoderma-deafness syndrome. Also called: Keratoderma palmoplantar, with deafness; Palmoplantar keratoderma and sensorineural deafness; Hereditary palmoplantar keratoderma with deafness (subtype); Focal palmoplantar keratoderma with sensorineural deafness (subtype); Diffuse palmoplantar keratoderma with deafness (subtype). Identifiers: Orphanet 2202, MedGen C1835672, MONDO:0007852, OMIM 148350.
Ichthyosis, hystrix-like, with hearing loss. Also called: Hystrix-like ichthyosis with deafness. Identifiers: Orphanet 477, MedGen C1865234, MONDO:0011245.
Knuckle pads, deafness AND leukonychia syndrome. Also called: Bart-Pumphrey syndrome. Identifiers: Orphanet 2698, MedGen C0266004, MONDO:0007866, OMIM 149200.
Autosomal dominant nonsyndromic hearing loss 3A. Identifiers: Orphanet 90635, MedGen C2675750, MONDO:0011103, OMIM 601544.
X-linked mixed hearing loss with perilymphatic gusher. Also called: Gusher syndrome; NANCE DEAFNESS; PERILYMPHATIC GUSHER-DEAFNESS SYNDROME; SENSORINEURAL DEAFNESS, PROFOUND, WITH OR WITHOUT A CONDUCTIVE COMPONENT, ASSOCIATED WITH A UNIQUE DEVELOPMENTAL ABNORMALITY OF THE EAR; Deafness, X-linked 2. Identifiers: Orphanet 383, MedGen C1844678, MONDO:0010576, OMIM 304400.
Mutilating keratoderma (VOWNKL). Also called: Keratoderma hereditarium mutilans. Identifiers: Orphanet 494, MedGen C0265964, MONDO:0007422, OMIM 124500.
Ear malformation. Also called: Abnormality of the ear; CUP EAR. Identifiers: MedGen C0266589, MONDO:0007500, OMIM 128600, HP:0000598.

Allele frequency attached by ClinVar (database versions not stated): ExAC 0.00002; TOPMed 0.00004; gnomAD exomes 0.00001 and 0.00002; gnomAD 0.00003.

Submissions 1 to 8 of 19:

CeGaT Center for Human Genetics Tuebingen
Classification: Pathogenic. Last evaluated: 2026-05-01. Review status: criteria provided, single submitter. Criteria: CeGaT Center For Human Genetics Tuebingen Variant Classification Criteria Version 2. Collection method: clinical testing. Allele origin: germline. Affected: yes. Observed: 1 variant allele.
Comment: GJB2: PM3:Very Strong, PVS1:Strong, PM2

PreventionGenetics, part of Exact Sciences
Classification: Pathogenic for GJB2-related condition. Last evaluated: 2026-03-23. Review status: criteria provided, single submitter. Criteria: ACMG Guidelines, 2015. Collection method: clinical testing. Allele origin: germline.
Comment: The GJB2 c.508_511dupAACG variant is predicted to result in a frameshift and premature protein termination (p.Ala171Glufs*40). This variant has been reported in the compound heterozygous state in multiple individuals with non‑syndromic hearing loss (Jiang et al. 2014. PubMed ID: 24737404; Guan et al. 2021. PubMed ID: 34416374; Yuan et al. 2019. PubMed ID: 31541171). This variant is reported in 0.030% of alleles in individuals of East Asian descent in gnomAD. Frameshift variants in GJB2 are expected to be pathogenic. This variant is interpreted as pathogenic.

Department of Otolaryngology Head and Neck Surgery, Hainan Hospital of the Chinese People’s Liberation Army General Hospital
Classification: Pathogenic for Autosomal recessive nonsyndromic hearing loss 1A. Last evaluated: 2026-02-01. Review status: criteria provided, single submitter. Criteria: ACMG Guidelines, 2015. Collection method: clinical testing. Allele origin: germline. Affected: no. Observed: 1 variant allele.
Comment: The GJB2 c.511_512insAACG (p.Ile171Hisfs*44) variant is a recurrent frameshift mutation reported in Chinese individuals affected with autosomal recessive nonsyndromic hearing loss. It is absent from large population databases, indicating it is not a common polymorphism (PM2). This frameshift variant induces an early termination codon and is predicted to result in a truncated protein or mRNA subject to nonsense-mediated decay (PVS1). Previous studies have documented compound heterozygotes with c.235delC presenting with severe to profound hearing loss (age of onset 9 months to 5 years) [Dai 2009, Sun 2017].

Labcorp Genetics (formerly Invitae), Labcorp
Classification: Pathogenic. Last evaluated: 2026-01-11. Review status: criteria provided, single submitter. Criteria: Invitae Variant Classification Sherloc (09022015). Collection method: clinical testing. Allele origin: germline.
Comment: This sequence change creates a premature translational stop signal (p.Ala171Glufs*40) in the GJB2 gene. While this is not anticipated to result in nonsense mediated decay, it is expected to disrupt the last 56 amino acid(s) of the GJB2 protein. This variant is present in population databases (rs773528125, gnomAD 0.03%). This premature translational stop signal has been observed in individual(s) with autosomal recessive deafness (PMID: 12172394, 25891447). This variant is also known as 511-512insAACG. ClinVar contains an entry for this variant (Variation ID: 189070). This variant disrupts a region of the GJB2 protein in which other variant(s) (p.Cys211Leufs*5) have been determined to be pathogenic (PMID: 9529365, 12910486, 20863150). This suggests that this is a clinically significant region of the protein, and that variants that disrupt it are likely to be disease-causing. For these reasons, this variant has been classified as Pathogenic.

Natera, Inc.
Classification: Pathogenic for Autosomal recessive deafness type 1A. Last evaluated: 2025-12-08. Review status: criteria provided, single submitter. Criteria: Natera Variant Classification Schema (03/2026). Collection method: clinical testing. Allele origin: germline.
Comment: The c.508_511dupAACG variant in GJB2 is a frameshift variant predicted to shift the reading frame beginning at codon 171 and leads to a stop codon 40 codons downstream. This variant is expected to result in nonsense mediated decay, truncation, or a dysfunctional protein product. This variant is rare in the general population with a frequency below the threshold expected for the associated phenotype(s). This variant has been observed in one or more individuals affected with the associated recessive disease, as either homozygous or compound heterozygous with a second variant (PMID: 31124793, 16712961, 12910486, 24256046). Given the available evidence, this variant is classified as Pathogenic.

Variantyx, Inc.
Classification: Pathogenic for Autosomal recessive nonsyndromic hearing loss 1A. Last evaluated: 2025-05-30. Review status: criteria provided, single submitter. Criteria: Variantyx Assertion Criteria 2022. Collection method: clinical testing. Allele origin: germline. Inheritance: Autosomal recessive inheritance. Affected: yes.
Comment: This is a frameshift variant in the GJB2 gene (OMIM: 121011). Pathogenic variants in this gene have been associated with autosomal recessive hearing loss 1A. This variant introduces a premature termination codon in exon 2 out of 2and is expected to result in loss of function, a known disease mechanism for GJB2 in this disorder (PMID: 11935342) (PVS1). This variant has a 0.0401% maximum allele frequency in non-founder control populations. The genomic data shows these variants are in trans (on opposite chromosomes).

Integrating Genomics into Medicine, Frazer Institute, University Of Queensland
Classification: Pathogenic for Autosomal recessive nonsyndromic hearing loss 1A. Last evaluated: 2023-06-02. Review status: criteria provided, single submitter. Criteria: ACMG Guidelines, 2015. Collection method: clinical testing. Allele origin: germline. Affected: yes.

GeneDx
Classification: Pathogenic. Last evaluated: 2022-12-19. Review status: criteria provided, single submitter. Criteria: GeneDx Variant Classification Process June 2021. Collection method: clinical testing. Allele origin: germline. Affected: yes.
Comment: Frameshift variant predicted to result in protein truncation, as the last 56 amino acids are lost and replaced with 39 incorrect amino acids (HGMD); This variant is associated with the following publications: (PMID: 24737404, 12172394, 16712961, 25587757, 26004784, 27247933, 27792752, 26783197, 17444514, 25891447, 24256046, 23638949, 22335977, 22695344, 28717060, 29926981, 31160754, 29871260)

NM_004004.6(GJB2):c.508_511dup (p.Ala171fs)

Gene: GJB2 (gap junction protein beta 2; minus strand). Cytogenetic location: 13q12.11.
Variant type: Duplication.
Coding change: c.508_511dup on transcript NM_004004.6 (MANE Select); coding-DNA positions 508 to 511, 4 bases duplicated (AACG; older notation c.508_511dupAACG).
Protein change: p.Ala171fs; shifts the reading frame from alanine 171.
Molecular consequence: frameshift variant.
Genome position (GRCh38, 1-based): chr13:20,189,071-20,189,074, CGTT duplicated on the plus strand (AACG on the coding strand, the reverse complement: GJB2 is on the minus strand). VCF-style (leftmost placement, unchanged base first): chr13-20189070-G-GCGTT. GRCh37 (hg19) VCF-style: chr13-20763209-G-GCGTT.
Other names: c.508_511dupAACG (NM_004004.5, NM_004004.6); c.511_512insAACG (NM_004004.6); short protein forms A171fs.
Identifiers: ClinVar variation 189070 (VCV000189070.57), dbSNP rs773528125, ClinGen allele CA274346.